The following is an entry in ClinVar:

ClinVar aggregate classification (germline): Likely pathogenic (1 of 4 stars; one submission).

Conditions:
Developmental and epileptic encephalopathy, 39 (DEE39). Also called: DEVELOPMENTAL AND EPILEPTIC ENCEPHALOPATHY 39 WITH LEUKODYSTROPHY. Identifiers: Orphanet 353217, MedGen C2751855, MONDO:0013056, OMIM 612949.

gnomAD v4.1: 3 of 1,613,880 alleles (0.00019%); highest among the groups gnomAD compares: Non-Finnish European, 0.00017%; no homozygotes.

Submission:

Laboratorio de Genetica e Diagnostico Molecular, Hospital Israelita Albert Einstein
Classification: Likely pathogenic for Developmental and epileptic encephalopathy, 39. Last evaluated: 2025-03-20. Review status: criteria provided, single submitter. Criteria: ACMG Guidelines, 2015. Collection method: clinical testing. Allele origin: germline. Affected: yes.
Comment: ACMG classification criteria: PVS1 very strong, PM2 supporting

NM_003705.5(SLC25A12):c.1747C>T (p.Arg583Ter)

Gene: SLC25A12 (solute carrier family 25 member 12; minus strand). Cytogenetic location: 2q31.1.
Variant type: single nucleotide variant.
Coding change: c.1747C>T on transcript NM_003705.5 (MANE Select); coding-DNA position 1747, C replaced by T.
Protein change: p.Arg583Ter; replaces arginine 583 with a stop codon.
Molecular consequence: nonsense. On other transcripts: non-coding transcript variant (1).
Genome position (GRCh38, 1-based): chr2:171,787,659, G>A on the plus strand (C>T on the coding strand, the complement: SLC25A12 is on the minus strand). VCF-style: chr2-171787659-G-A. GRCh37 (hg19) VCF-style: chr2-172644169-G-A.
Other names: short protein forms R583*.
Identifiers: ClinVar variation 4076175 (VCV004076175.1).